The following is an entry in ClinVar:

NM_001184.4(ATR):c.2388A>T (p.Arg796Ser)

Gene: ATR (ATR checkpoint kinase; minus strand). Cytogenetic location: 3q23.
Variant type: single nucleotide variant.
Coding change: c.2388A>T on transcript NM_001184.4 (MANE Select); coding-DNA position 2388, A replaced by T.
Protein change: p.Arg796Ser; replaces arginine 796 with serine.
Molecular consequence: missense variant.
Genome position (GRCh38, 1-based): chr3:142,553,969, T>A on the plus strand (A>T on the coding strand, the complement: ATR is on the minus strand). VCF-style: chr3-142553969-T-A. GRCh37 (hg19) VCF-style: chr3-142272811-T-A.
Other names: c.2196A>T, p.Arg732Ser (NM_001354579.2); short protein forms R732S, R796S.
Identifiers: ClinVar variation 3460792 (VCV003460792.2).

ClinVar aggregate classification (germline): Uncertain significance. Review status: criteria provided, multiple submitters, no conflicts (2 of 4 stars). 2 submissions from 2 submitters: Uncertain significance (2). Last evaluated 2025-11-25.

Conditions:
Inborn genetic diseases. Identifiers: MedGen C0950123, MeSH D030342.

gnomAD v4.1: 4 of 1,610,444 alleles (0.00025%); highest among the groups gnomAD compares: African/African-American, 0.0027%; no homozygotes.

Submissions (2):

Labcorp Genetics (formerly Invitae), Labcorp
Classification: Uncertain significance. Last evaluated: 2025-11-25. Review status: criteria provided, single submitter. Criteria: Invitae Variant Classification Sherloc (09022015). Collection method: clinical testing. Allele origin: germline.
Comment: This sequence change replaces arginine, which is basic and polar, with serine, which is neutral and polar, at codon 796 of the ATR protein (p.Arg796Ser). The frequency data for this variant in the population databases is considered unreliable, as metrics indicate poor data quality at this position in the gnomAD database. This variant has not been reported in the literature in individuals affected with ATR-related conditions. ClinVar contains an entry for this variant (Variation ID: 3460792). An algorithm developed to predict the effect of missense changes on protein structure and function (PolyPhen-2) suggests that this variant is likely to be tolerated. In summary, the available evidence is currently insufficient to determine the role of this variant in disease. Therefore, it has been classified as a Variant of Uncertain Significance.

Ambry Genetics
Classification: Uncertain significance for Inborn genetic diseases. Last evaluated: 2024-09-12. Review status: criteria provided, single submitter. Criteria: Ambry Variant Classification Scheme 2023. Collection method: clinical testing. Allele origin: germline.
Comment: The p.R796S variant (also known as c.2388A>T), located in coding exon 11 of the ATR gene, results from an A to T substitution at nucleotide position 2388. The arginine at codon 796 is replaced by serine, an amino acid with dissimilar properties. This amino acid position is conserved. In addition, this alteration is predicted to be tolerated by in silico analysis. Based on the available evidence, the clinical significance of this variant remains unclear.